The following is an entry in ClinVar:

NM_138413.4(HOGA1):c.221T>G (p.Val74Gly)

Gene: HOGA1 (4-hydroxy-2-oxoglutarate aldolase 1; plus strand). Cytogenetic location: 10q24.2.
Variant type: single nucleotide variant.
Coding change: c.221T>G on transcript NM_138413.4 (MANE Select); coding-DNA position 221, T replaced by G.
Protein change: p.Val74Gly; replaces valine 74 with glycine.
Molecular consequence: missense variant. On other transcripts: intron variant (1).
Genome position (GRCh38, 1-based): chr10:97,598,784, T>G. VCF-style: chr10-97598784-T-G. GRCh37 (hg19) VCF-style: chr10-99358541-T-G.
Other names: c.212-3073T>G (NM_001134670.2); short protein forms V74G.
Identifiers: ClinVar variation 204267 (VCV000204267.13), dbSNP rs796052084, ClinGen allele CA203940.

ClinVar aggregate classification (germline): Pathogenic/Likely pathogenic. Review status: criteria provided, multiple submitters, no conflicts (2 of 4 stars). 7 submissions from 7 submitters: Pathogenic (1); Likely pathogenic (5). 1 of the submissions does not count toward it. Last evaluated 2025-10-27.

Conditions:
HOGA1-related disorders.
Primary hyperoxaluria type 3. Also called: PH III. Identifiers: Orphanet 416, Orphanet 93600, MedGen C3150878, MONDO:0013327, OMIM 613616. Disease mechanism: loss of function.

Allele frequency attached by ClinVar (database versions not stated): gnomAD exomes 0.00001; gnomAD 0.00001; TOPMed 0.00001.
gnomAD v4.1: 23 of 1,614,076 alleles (0.0014%); highest among the groups gnomAD compares: Non-Finnish European, 0.0019%; no homozygotes.

Submissions (7):

Variantyx, Inc.
Classification: Likely pathogenic for Primary hyperoxaluria type 3. Last evaluated: 2025-10-27. Review status: criteria provided, single submitter. Criteria: Variantyx Assertion Criteria 2022. Collection method: clinical testing. Allele origin: germline. Inheritance: Autosomal recessive inheritance. Affected: yes.
Comment: This is a nonsynonymous variant in the HOGA1 gene (OMIM: 613597). Pathogenic variants in this gene have been associated with autosomal recessive primary hyperoxaluria type III. The clinical symptoms reported for this individual are highly specific for autosomal recessive primary hyperoxaluria type III, which has a limited genetic etiology (PMID: 26401545) (PP4). This variant has been identified in the homozygous or compound heterozygous state in the current proband, and at least one individual reported in the published literature (PMID: 22781098) (PM3). It lies within a known hotspot for pathogenic variants or a well-established critical functional domain of the HOGA1 protein (PMID: 34805638, 25644115, 29705963) (PM1) and multiple computational algorithms predict a deleterious effect for this variant (REVEL score: 0.968) (PP3). This variant has a 0.0019% maximum allele frequency in non-founder control populations (PM2). Based on the genomic data, these variants are likely in trans.

Natera, Inc.
Classification: Likely pathogenic for Primary hyperoxaluria type III. Last evaluated: 2025-06-11. Review status: criteria provided, single submitter. Criteria: Natera Variant Classification Schema (03/2026). Collection method: clinical testing. Allele origin: germline.
Comment: The c.221T>G variant in HOGA1 is a missense variant predicted to cause substitution of valine to glycine at amino acid 74. This variant is rare in the general population with a frequency below the threshold expected for the associated phenotype(s). This variant has been observed in one or more individuals affected with the associated recessive disease, as either homozygous or compound heterozygous with a second variant (PMID: 23940605). Computational prediction algorithms indicate this variant is likely to affect gene or protein function. Given the available evidence, this variant is classified as Likely Pathogenic.

MVZ Medizinische Genetik Mainz
Classification: Likely pathogenic for Primary hyperoxaluria type 3. Last evaluated: 2024-02-29. Review status: criteria provided, single submitter. Criteria: UK Practice Guidelines For Variant Classification V4 01 2020. Collection method: clinical testing. Allele origin: germline. Inheritance: Autosomal recessive inheritance. Affected: yes. Observed: 1 variant allele.
Comment: ACMG Criteria: PP3_STR,PM3,PM2_SUP,PP4

Labcorp Genetics (formerly Invitae), Labcorp
Classification: Pathogenic. Last evaluated: 2024-02-19. Review status: criteria provided, single submitter. Criteria: Invitae Variant Classification Sherloc (09022015). Collection method: clinical testing. Allele origin: germline.
Comment: This sequence change replaces valine, which is neutral and non-polar, with glycine, which is neutral and non-polar, at codon 74 of the HOGA1 protein (p.Val74Gly). This variant is present in population databases (rs796052084, gnomAD 0.002%). This missense change has been observed in individual(s) with primary hyperoxaluria type 3 (PMID: 22781098, 28711958). In at least one individual the data is consistent with being in trans (on the opposite chromosome) from a pathogenic variant. ClinVar contains an entry for this variant (Variation ID: 204267). Advanced modeling of protein sequence and biophysical properties (such as structural, functional, and spatial information, amino acid conservation, physicochemical variation, residue mobility, and thermodynamic stability) performed at Invitae indicates that this missense variant is expected to disrupt HOGA1 protein function with a positive predictive value of 95%. For these reasons, this variant has been classified as Pathogenic.

Clinical Biochemistry Laboratory, Health Services Laboratory
Classification: Likely pathogenic for Primary hyperoxaluria type 3. Last evaluated: 2023-10-27. Review status: criteria provided, single submitter. Criteria: ACMG Guidelines, 2015. Collection method: curation. Allele origin: germline. Affected: yes.
Comment: ACMG: PM2 PM3 PP3 PP4 PP5

Blueprint Genetics
Classification: Likely pathogenic for HOGA1-related disorders. Last evaluated: 2021-12-07. Review status: criteria provided, single submitter. Criteria: ACMG Guidelines, 2015. Collection method: clinical testing. Allele origin: germline. Affected: yes. Observed: 1 variant allele.

Counsyl
Classification: Uncertain significance for Primary hyperoxaluria type 3. Last evaluated: 2018-05-18. Review status: no assertion criteria provided. Collection method: clinical testing. Allele origin: unknown. Not counted in ClinVar's aggregate classification.

Literature cited by the submitters: PubMed 22781098 (cited by 4 submitters); PubMed 34805638 (cited by Variantyx, Inc.); PubMed 25644115 (cited by Variantyx, Inc.); PubMed 29705963 (cited by Variantyx, Inc.); PubMed 23940605 (cited by Natera, Inc.); PubMed 28711958 (cited by Labcorp Genetics (formerly Invitae), Labcorp).